The following is an entry in ClinVar:

ClinVar aggregate classification (germline): Benign. Review status: criteria provided, multiple submitters, no conflicts (2 of 4 stars). 2 submissions from 2 submitters: Benign (2). Last evaluated 2018-06-18.

Allele frequency attached by ClinVar (database versions not stated): gnomAD 0.15167 and 0.16347; gnomAD exomes 0.21436 and 0.18998; 1000 Genomes Project 0.28714; ExAC 0.26817; TOPMed 0.17023; 1000 Genomes Project 30x 0.27780.

Submissions (2):

GeneDx
Classification: Benign. Last evaluated: 2018-06-18. Review status: criteria provided, single submitter. Criteria: GeneDx Variant Classification (06012015). Collection method: clinical testing. Allele origin: germline. Affected: yes.
Comment: This variant is considered likely benign or benign based on one or more of the following criteria: it is a conservative change, it occurs at a poorly conserved position in the protein, it is predicted to be benign by multiple in silico algorithms, and/or has population frequency not consistent with disease.

Breakthrough Genomics
Classification: Benign. Review status: criteria provided, single submitter. Criteria: ACMG Guidelines, 2015. Collection method: not provided. Allele origin: germline. Inheritance: Autosomal recessive inheritance. Affected: yes.

NM_021914.7(CFL2):c.-1105C>A

Genes: CFL2 (cofilin 2; minus strand), LOC130055475 (ATAC-STARR-seq lymphoblastoid silent region 5668; plus strand). Cytogenetic location: 14q13.1.
Variant type: single nucleotide variant.
Coding change: c.-1105C>A on transcript NM_021914.7; 1105 bases upstream of the start codon, C replaced by A.
Genome position (GRCh38, 1-based): chr14:34,714,781, G>T on the plus strand (C>A on the coding strand, the complement: CFL2 is on the minus strand). VCF-style: chr14-34714781-G-T. GRCh37 (hg19) VCF-style: chr14-35183987-G-T.
Other names: c.-241C>A (NM_138638.4).
Identifiers: ClinVar variation 680207 (VCV000680207.4), dbSNP rs17523485, ClinGen allele CA7152410.
Genomic context (GRCh38, chr14:34,714,781, plus strand): 5'-ACGCCTGGTCCCCAGCCGGCGCCACCCGCTCCCAGGCCGGCCCTTCTGTCTCGCGGCCCC[G>T]GCTCCCCGGCTGTCCGCGTCCTCGGCCTGACCTCAGAGCGCGAGCCCTGCAGGCCGGGGG-3'